The following is an entry in ClinVar:

ClinVar aggregate classification (germline): Conflicting classifications of pathogenicity. Review status: criteria provided, conflicting classifications (1 of 4 stars). 3 submissions from 3 submitters: Uncertain significance (1); Likely benign (2). Last evaluated 2026-08-01.

gnomAD v4.1: 24 of 1,612,224 alleles (0.0015%); highest among the groups gnomAD compares: Middle Eastern, 0.017%; no homozygotes.

Submissions (3):

CeGaT Center for Human Genetics Tuebingen
Classification: Likely benign. Last evaluated: 2026-08-01. Review status: criteria provided, single submitter. Criteria: CeGaT Center For Human Genetics Tuebingen Variant Classification Criteria Version 2. Collection method: clinical testing. Allele origin: germline. Affected: yes. Observed: 1 variant allele.
Comment: CCDC50: BP4

Labcorp Genetics (formerly Invitae), Labcorp
Classification: Uncertain significance. Last evaluated: 2025-09-14. Review status: criteria provided, single submitter. Criteria: Invitae Variant Classification Sherloc (09022015). Collection method: clinical testing. Allele origin: germline.
Comment: This sequence change replaces methionine, which is neutral and non-polar, with threonine, which is neutral and polar, at codon 342 of the CCDC50 protein (p.Met342Thr). This variant is present in population databases (rs567955226, gnomAD 0.02%). This variant has not been reported in the literature in individuals affected with CCDC50-related conditions. An algorithm developed to predict the effect of missense changes on protein structure and function outputs the following: PolyPhen-2: "Benign". The threonine amino acid residue is found in multiple mammalian species, which suggests that this missense change does not adversely affect protein function. In summary, the available evidence is currently insufficient to determine the role of this variant in disease. Therefore, it has been classified as a Variant of Uncertain Significance.

Ambry Genetics
Classification: Likely benign. Last evaluated: 2025-08-20. Review status: criteria provided, single submitter. Criteria: Ambry Variant Classification Scheme 2023. Collection method: clinical testing. Allele origin: germline.

NM_178335.3(CCDC50):c.1025T>C (p.Met342Thr)

Gene: CCDC50 (coiled-coil domain containing 50; plus strand). Cytogenetic location: 3q28.
Variant type: single nucleotide variant.
Coding change: c.1025T>C on transcript NM_178335.3 (MANE Select); coding-DNA position 1025, T replaced by C.
Protein change: p.Met342Thr; replaces methionine 342 with threonine.
Molecular consequence: missense variant.
Genome position (GRCh38, 1-based): chr3:191,380,207, T>C. VCF-style: chr3-191380207-T-C. GRCh37 (hg19) VCF-style: chr3-191097996-T-C.
Other names: c.497T>C, p.Met166Thr (NM_174908.4); short protein forms M166T, M342T.
Identifiers: ClinVar variation 4221268 (VCV004221268.3).